The following is an entry in ClinVar:

ClinVar aggregate classification (germline): Likely benign. Review status: criteria provided, multiple submitters, no conflicts (2 of 4 stars). 2 submissions from 2 submitters: Likely benign (2). Last evaluated 2025-11-08.

Conditions:
Malignant hyperthermia, susceptibility to, 1 (MHS1). Also called: Anesthesia related hyperthermia; Malignant hyperpyrexia; Fulminating hyperpyrexia; Pharmacogenic myopathy; RYR1-Related Malignant Hyperthermia Susceptibility; Malignant hyperthermia suceptibility 1. Identifiers: Orphanet 423, MedGen C2930980, MONDO:0007783, OMIM 145600.
RYR1-related disorder. Also called: RYR1-related disorders; RYR1-related condition. Identifiers: MedGen CN239331.

gnomAD v4.1: 2 of 1,613,690 alleles (0.00012%); highest among the groups gnomAD compares: Non-Finnish European, 0.00017%; no homozygotes.

Submissions (2):

Labcorp Genetics (formerly Invitae), Labcorp
Classification: Likely benign for RYR1-related disorder. Last evaluated: 2025-11-08. Review status: criteria provided, single submitter. Criteria: Invitae Variant Classification Sherloc (09022015). Collection method: clinical testing. Allele origin: germline.

All of Us Research Program, National Institutes of Health
Classification: Likely benign for Malignant hyperthermia, susceptibility to, 1. Last evaluated: 2024-05-14. Review status: criteria provided, single submitter. Criteria: ACMG Guidelines, 2015. Collection method: clinical testing. Allele origin: germline. Inheritance: Autosomal dominant inheritance. Observed: 1 variant allele, 1 heterozygote.
Comment: This study involves interpretation of variants in research participants for the purpose of population health screening. Participant phenotype was not available at the time of variant classification. Additional details can be found in publication PMID: 35346344, PMCID: PMC8962531

NM_000540.3(RYR1):c.5205G>A (p.Val1735=)

Gene: RYR1 (ryanodine receptor 1; plus strand). Cytogenetic location: 19q13.2.
Variant type: single nucleotide variant.
Coding change: c.5205G>A on transcript NM_000540.3 (MANE Select); coding-DNA position 5205, G replaced by A.
Protein change: p.Val1735=; no amino-acid change (valine 1735 retained).
Molecular consequence: synonymous variant.
Genome position (GRCh38, 1-based): chr19:38,485,860, G>A. VCF-style: chr19-38485860-G-A. GRCh37 (hg19) VCF-style: chr19-38976500-G-A.
Other names: c.5205G>A, p.Val1735= (NM_001042723.2).
Identifiers: ClinVar variation 3387732 (VCV003387732.2).